The following is an entry in ClinVar:

ClinVar aggregate classification (germline): Uncertain significance. Review status: criteria provided, multiple submitters, no conflicts (2 of 4 stars). 2 submissions from 2 submitters: Uncertain significance (2). Last evaluated 2024-05-20.

Submissions (2):

Labcorp Genetics (formerly Invitae), Labcorp
Classification: Uncertain significance. Last evaluated: 2024-05-20. Review status: criteria provided, single submitter. Criteria: Invitae Variant Classification Sherloc (09022015). Collection method: clinical testing. Allele origin: germline.
Comment: This variant, c.746_748del, results in the deletion of 1 amino acid(s) of the NACC1 protein (p.Ala249del), but otherwise preserves the integrity of the reading frame. This variant is present in population databases (rs777103054, gnomAD 0.002%). This variant has not been reported in the literature in individuals affected with NACC1-related conditions. Experimental studies and prediction algorithms are not available or were not evaluated, and the functional significance of this variant is currently unknown. In summary, the available evidence is currently insufficient to determine the role of this variant in disease. Therefore, it has been classified as a Variant of Uncertain Significance.

CeGaT Center for Human Genetics Tuebingen
Classification: Uncertain significance. Last evaluated: 2019-05-01. Review status: criteria provided, single submitter. Criteria: CeGaT Center For Human Genetics Tuebingen Variant Classification Criteria Version 2. Collection method: clinical testing. Allele origin: germline. Affected: yes. Observed: 2 variant alleles.

NM_052876.4(NACC1):c.740CAG[2] (p.Ala249del)

Gene: NACC1 (nucleus accumbens associated 1; plus strand). Cytogenetic location: 19p13.13.
Variant type: Microsatellite.
Coding change: c.740CAG[2] on transcript NM_052876.4 (MANE Select); two copies in a row of the 3-base unit CAG starting at c.740; the reference has three copies in a row; one copy, 3 bases deleted.
Protein change: p.Ala249del; deletes alanine 249.
Molecular consequence: inframe deletion.
Genome position (GRCh38, 1-based): chr19:13,135,953-13,135,955, CAG deleted; deleting any 3 consecutive bases within chr19:13,135,946-13,135,955 gives the same sequence; the position shown is the placement nearest the transcript's 3' end. VCF-style (leftmost placement, unchanged base first): chr19-13135945-GGCA-G. GRCh37 (hg19) VCF-style: chr19-13246759-GGCA-G.
Other names: short protein forms A249del.
Identifiers: ClinVar variation 808459 (VCV000808459.46), dbSNP rs777103054, ClinGen allele CA9238315.